The following is an entry in ClinVar:

ClinVar aggregate classification (germline): Likely benign (0 of 4 stars; one submission).

Conditions:
PDZD2-related disorder. Also called: PDZD2-related condition.

Allele frequency attached by ClinVar (database versions not stated): gnomAD exomes 0.00009; ExAC 0.00038; ESP Exome Variant Server 0.00108; gnomAD 0.00109; TOPMed 0.00110; 1000 Genomes Project 0.00220; 1000 Genomes Project 30x 0.00250.
gnomAD v4.1: 309 of 1,614,046 alleles (0.019%); highest among the groups gnomAD compares: African/African-American, 0.35%; no homozygotes.

Submission:

PreventionGenetics, part of Exact Sciences
Classification: Likely benign for PDZD2-related condition. Last evaluated: 2019-05-01. Review status: no assertion criteria provided. Collection method: clinical testing. Allele origin: germline.
Comment: This variant is classified as likely benign based on ACMG/AMP sequence variant interpretation guidelines (Richards et al. 2015 PMID: 25741868, with internal and published modifications).

NM_178140.4(PDZD2):c.7320G>A (p.Ser2440=)

Gene: PDZD2 (PDZ domain containing 2; plus strand). Cytogenetic location: 5p13.3.
Variant type: single nucleotide variant.
Coding change: c.7320G>A on transcript NM_178140.4 (MANE Select); coding-DNA position 7320, G replaced by A.
Protein change: p.Ser2440=; no amino-acid change (serine 2440 retained).
Molecular consequence: synonymous variant.
Genome position (GRCh38, 1-based): chr5:32,090,768, G>A. VCF-style: chr5-32090768-G-A. GRCh37 (hg19) VCF-style: chr5-32090874-G-A.
Identifiers: ClinVar variation 3038184 (VCV003038184.2), dbSNP rs139521722, ClinGen allele CA3220298.
Genomic context (GRCh38, chr5:32,090,768, plus strand): 5'-CATGACACTGACCATCTCTCGGCAGAACCCACCAGAGACCAGTAGCAAGGGCTCTGATTC[G>A]GAACTAAAGAAATCACTTGGTCCTTTGGGAATTCCCACCCCAACGATGACCCTGGCTTCT-3'
Protein context (NP_835260.2, residues 2430-2450): PPETSSKGSD[Ser2440=]ELKKSLGPLG